The following is an entry in ClinVar:

ClinVar aggregate classification (germline): Uncertain significance (1 of 4 stars; one submission).

gnomAD v4.1: 2 of 1,614,116 alleles (0.00012%); highest among the groups gnomAD compares: South Asian, 0.0022%; no homozygotes.

Submission:

Ambry Genetics
Classification: Uncertain significance. Last evaluated: 2025-12-09. Review status: criteria provided, single submitter. Criteria: Ambry Variant Classification Scheme 2023. Collection method: clinical testing. Allele origin: germline.
Comment: The c.6044C>T (p.A2015V) alteration is located in exon 40 (coding exon 39) of the LPA gene. This alteration results from a C to T substitution at nucleotide position 6044, causing the alanine (A) at amino acid position 2015 to be replaced by a valine (V). Based on data from gnomAD, the T allele has an overall frequency of 0.001% (2/251438) total alleles studied. The highest observed frequency was 0.007% (2/30614) of South Asian alleles. Based on insufficient or conflicting evidence, the clinical significance of this alteration remains unclear.

NM_005577.4(LPA):c.6044C>T (p.Ala2015Val)

Gene: LPA (lipoprotein(a); minus strand). Cytogenetic location: 6q25.3.
Variant type: single nucleotide variant.
Coding change: c.6044C>T on transcript NM_005577.4 (MANE Select); coding-DNA position 6044, C replaced by T.
Protein change: p.Ala2015Val; replaces alanine 2015 with valine.
Molecular consequence: missense variant.
Genome position (GRCh38, 1-based): chr6:160,531,808, G>A on the plus strand (C>T on the coding strand, the complement: LPA is on the minus strand). VCF-style: chr6-160531808-G-A. GRCh37 (hg19) VCF-style: chr6-160952840-G-A.
Other names: short protein forms A2015V.
Identifiers: ClinVar variation 4547117 (VCV004547117.1).